The following is an entry in ClinVar:

ClinVar aggregate classification (germline): Uncertain significance (1 of 4 stars; one submission).

Conditions:
Koolen-de Vries syndrome (KDVS). Identifiers: Orphanet 96169, MedGen C1864871, MONDO:0012496, OMIM 610443.

Submission:

Labcorp Genetics (formerly Invitae), Labcorp
Classification: Uncertain significance for Koolen-de Vries syndrome. Last evaluated: 2022-04-28. Review status: criteria provided, single submitter. Criteria: Invitae Variant Classification Sherloc (09022015). Collection method: clinical testing. Allele origin: germline.
Comment: In summary, the available evidence is currently insufficient to determine the role of this variant in disease. Therefore, it has been classified as a Variant of Uncertain Significance. This sequence change replaces aspartic acid, which is acidic and polar, with valine, which is neutral and non-polar, at codon 1052 of the KANSL1 protein (p.Asp1052Val). This variant is not present in population databases (gnomAD no frequency). This variant has not been reported in the literature in individuals affected with KANSL1-related conditions. Algorithms developed to predict the effect of missense changes on protein structure and function are either unavailable or do not agree on the potential impact of this missense change (SIFT: "Deleterious"; PolyPhen-2: "Benign"; Align-GVGD: "Class C0").

NM_015443.4(KANSL1):c.3155A>T (p.Asp1052Val)

Gene: KANSL1 (KAT8 regulatory NSL complex subunit 1). Cytogenetic location: 17q21.31.
Variant type: single nucleotide variant.
Coding change: c.3155A>T on transcript NM_015443.4 (MANE Select); coding-DNA position 3155, A replaced by T.
Protein change: p.Asp1052Val; replaces aspartic acid 1052 with valine.
Molecular consequence: missense variant.
Genome position (GRCh38, 1-based): chr17:46,031,639, T>A on the plus strand (A>T on the coding strand, the complement: KANSL1 is on the minus strand). VCF-style: chr17-46031639-T-A. GRCh37 (hg19) VCF-style: chr17-44109005-T-A.
Other names: c.3152A>T, p.Asp1051Val (NM_001193465.2, NM_001405856.1, NM_001405857.1 and 1 more transcripts); c.3155A>T, p.Asp1052Val (NM_001193466.2, NM_001379198.1, NM_001405854.1 and 1 more transcripts); c.3053A>T, p.Asp1018Val (NM_001405859.1, NM_001405860.1); c.3050A>T, p.Asp1017Val (NM_001405861.1); c.3023A>T, p.Asp1008Val (NM_001405872.1, NM_001405873.1, NM_001405874.1); c.2966A>T, p.Asp989Val (NM_001405875.1, NM_001405876.1, NM_001405877.1 and 1 more transcripts); c.2963A>T, p.Asp988Val (NM_001405879.1, NM_001405880.1); c.2918A>T, p.Asp973Val (NM_001405881.1); and 4 more; short protein forms D1018V, D1052V, D566V, D567V, D973V, D989V, D988V, D1008V.
Identifiers: ClinVar variation 2131320 (VCV002131320.4), dbSNP rs2510354925, ClinGen allele CA399986053.